The following is an entry in ClinVar:

ClinVar aggregate classification (germline): Uncertain significance (1 of 4 stars; one submission).

Submission:

GeneDx
Classification: Uncertain significance. Last evaluated: 2022-08-17. Review status: criteria provided, single submitter. Criteria: GeneDx Variant Classification Process June 2021. Collection method: clinical testing. Allele origin: germline. Affected: yes.
Comment: Not observed at significant frequency in large population cohorts (gnomAD); In silico analysis supports that this missense variant has a deleterious effect on protein structure/function; Has not been previously published as pathogenic or benign to our knowledge

NM_006245.4(PPP2R5D):c.1090G>A (p.Gly364Arg)

Gene: PPP2R5D (protein phosphatase 2 regulatory subunit B'delta; plus strand). Cytogenetic location: 6p21.1.
Variant type: single nucleotide variant.
Coding change: c.1090G>A on transcript NM_006245.4 (MANE Select); coding-DNA position 1090, G replaced by A.
Protein change: p.Gly364Arg; replaces glycine 364 with arginine.
Molecular consequence: missense variant.
Genome position (GRCh38, 1-based): chr6:43,009,066, G>A. VCF-style: chr6-43009066-G-A. GRCh37 (hg19) VCF-style: chr6-42976804-G-A.
Other names: c.637G>A, p.Gly213Arg (NM_001270476.2); c.994G>A, p.Gly332Arg (NM_180976.3); c.772G>A, p.Gly258Arg (NM_180977.3); short protein forms G213R, G258R, G332R, G364R.
Identifiers: ClinVar variation 2430807 (VCV002430807.1), dbSNP rs2532484239, ClinGen allele CA364192974.